The following is an entry in ClinVar:

ClinVar aggregate classification (germline): Uncertain significance (1 of 4 stars; one submission).

Conditions:
Familial adenomatous polyposis 1 (FAP1). Also called: FAMILIAL ADENOMATOUS POLYPOSIS 1, ATTENUATED; POLYPOSIS, ADENOMATOUS INTESTINAL. Identifiers: MedGen C2713442, MONDO:0021056, OMIM 175100. Disease mechanism: loss of function.

Submission:

Labcorp Genetics (formerly Invitae), Labcorp
Classification: Uncertain significance for Familial adenomatous polyposis 1. Last evaluated: 2025-02-03. Review status: criteria provided, single submitter. Criteria: Invitae Variant Classification Sherloc (09022015). Collection method: clinical testing. Allele origin: germline.
Comment: This sequence change replaces alanine, which is neutral and non-polar, with glycine, which is neutral and non-polar, at codon 2650 of the APC protein (p.Ala2650Gly). This variant is not present in population databases (gnomAD no frequency). This variant has not been reported in the literature in individuals affected with APC-related conditions. Invitae Evidence Modeling of protein sequence and biophysical properties (such as structural, functional, and spatial information, amino acid conservation, physicochemical variation, residue mobility, and thermodynamic stability) indicates that this missense variant is not expected to disrupt APC protein function with a negative predictive value of 95%. In summary, the available evidence is currently insufficient to determine the role of this variant in disease. Therefore, it has been classified as a Variant of Uncertain Significance.

NM_000038.6(APC):c.7949C>G (p.Ala2650Gly)

Gene: APC (APC regulator of Wnt signaling pathway; plus strand). Cytogenetic location: 5q22.2.
Variant type: single nucleotide variant.
Coding change: c.7949C>G on transcript NM_000038.6 (MANE Select); coding-DNA position 7949, C replaced by G.
Protein change: p.Ala2650Gly; replaces alanine 2650 with glycine.
Molecular consequence: missense variant. On other transcripts: non-coding transcript variant (2).
Genome position (GRCh38, 1-based): chr5:112,843,543, C>G. VCF-style: chr5-112843543-C-G. GRCh37 (hg19) VCF-style: chr5-112179240-C-G.
Other names: c.7949C>G, p.Ala2650Gly (NM_001127510.3, NM_001354895.2, NM_001407450.1); c.7895C>G, p.Ala2632Gly (NM_001127511.3); c.8003C>G, p.Ala2668Gly (NM_001354896.2, NM_001407447.1, NM_001407448.1 and 1 more transcripts); c.7979C>G, p.Ala2660Gly (NM_001354897.2); c.7874C>G, p.Ala2625Gly (NM_001354898.2); c.7865C>G, p.Ala2622Gly (NM_001354899.2); c.7826C>G, p.Ala2609Gly (NM_001354900.2); c.7772C>G, p.Ala2591Gly (NM_001354901.2, NM_001407453.1); and 11 more; short protein forms A2266G, A2367G, A2490G, A2521G, A2524G, A2549G, A2559G, A2567G.
Identifiers: ClinVar variation 4801526 (VCV004801526.1).
Genomic context (GRCh38, chr5:112,843,543, plus strand): 5'-TTTCCTCAGGTGCTACAAATGGTGCTGAATCAAAGACTCTAATTTATCAAATGGCACCTG[C>G]TGTTTCTAAAACAGAGGATGTTTGGGTGAGAATTGAGGACTGTCCCATTAACAATCCTAG-3'
Protein context (NP_000029.2, residues 2640-2660): SKTLIYQMAP[Ala2650Gly]VSKTEDVWVR